The following is an entry in ClinVar:

ClinVar aggregate classification (germline): Uncertain significance (1 of 4 stars; one submission).

Allele frequency attached by ClinVar (database versions not stated): gnomAD 0.00001; gnomAD exomes 0.00001; ExAC 0.00002.
gnomAD v4.1: 5 of 1,600,022 alleles (0.00031%); highest among the groups gnomAD compares: Admixed American, 0.0053%; no homozygotes.

Submission:

Labcorp Genetics (formerly Invitae), Labcorp
Classification: Uncertain significance. Last evaluated: 2024-07-24. Review status: criteria provided, single submitter. Criteria: Invitae Variant Classification Sherloc (09022015). Collection method: clinical testing. Allele origin: germline.
Comment: This sequence change replaces leucine, which is neutral and non-polar, with proline, which is neutral and non-polar, at codon 668 of the CSF2RB protein (p.Leu668Pro). The frequency data for this variant in the population databases is considered unreliable, as metrics indicate poor data quality at this position in the gnomAD database. This variant has not been reported in the literature in individuals affected with CSF2RB-related conditions. Advanced modeling of protein sequence and biophysical properties (such as structural, functional, and spatial information, amino acid conservation, physicochemical variation, residue mobility, and thermodynamic stability) performed at Invitae indicates that this missense variant is not expected to disrupt CSF2RB protein function with a negative predictive value of 80%. In summary, the available evidence is currently insufficient to determine the role of this variant in disease. Therefore, it has been classified as a Variant of Uncertain Significance.

NM_000395.3(CSF2RB):c.2003T>C (p.Leu668Pro)

Gene: CSF2RB (colony stimulating factor 2 receptor subunit beta; plus strand). Cytogenetic location: 22q12.3.
Variant type: single nucleotide variant.
Coding change: c.2003T>C on transcript NM_000395.3 (MANE Select); coding-DNA position 2003, T replaced by C.
Protein change: p.Leu668Pro; replaces leucine 668 with proline.
Molecular consequence: missense variant.
Genome position (GRCh38, 1-based): chr22:36,937,811, T>C. VCF-style: chr22-36937811-T-C. GRCh37 (hg19) VCF-style: chr22-37333853-T-C.
Other names: c.2021T>C, p.Leu674Pro (NM_001410827.1); short protein forms L668P, L674P.
Identifiers: ClinVar variation 3023404 (VCV003023404.3), dbSNP rs751884094, ClinGen allele CA10214022.